The following is an entry in ClinVar:

ClinVar aggregate classification (germline): Uncertain significance (1 of 4 stars; one submission).

Allele frequency attached by ClinVar (database versions not stated): TOPMed below 0.00001; gnomAD 0.00001; gnomAD exomes 0.00001.
gnomAD v4.1: 11 of 1,613,862 alleles (0.00068%); highest among the groups gnomAD compares: Middle Eastern, 0.016%; no homozygotes.

Submission:

Ambry Genetics
Classification: Uncertain significance. Last evaluated: 2025-07-18. Review status: criteria provided, single submitter. Criteria: Ambry Variant Classification Scheme 2023. Collection method: clinical testing. Allele origin: germline.
Comment: The p.P692R variant (also known as c.2075C>G), located in coding exon 21 of the KIF1B gene, results from a C to G substitution at nucleotide position 2075. The proline at codon 692 is replaced by arginine, an amino acid with dissimilar properties. This amino acid position is conserved. In addition, this alteration is predicted to be tolerated by in silico analysis. Since supporting evidence is limited at this time, the clinical significance of this alteration remains unclear.

NM_001365951.3(KIF1B):c.2213C>G (p.Pro738Arg)

Gene: KIF1B (kinesin family member 1B; plus strand). Cytogenetic location: 1p36.22.
Variant type: single nucleotide variant.
Coding change: c.2213C>G on transcript NM_001365951.3 (MANE Select); coding-DNA position 2213, C replaced by G.
Protein change: p.Pro738Arg; replaces proline 738 with arginine.
Molecular consequence: missense variant.
Genome position (GRCh38, 1-based): chr1:10,321,712, C>G. VCF-style: chr1-10321712-C-G. GRCh37 (hg19) VCF-style: chr1-10381770-C-G.
Other names: c.2213C>G, p.Pro738Arg (NM_001365952.1); c.2075C>G, p.Pro692Arg (NM_015074.3); short protein forms P692R, P738R.
Identifiers: ClinVar variation 1785451 (VCV001785451.4), dbSNP rs1651529824, ClinGen allele CA338332624.